The following is an entry in ClinVar:

ClinVar aggregate classification (germline): Uncertain significance (1 of 4 stars; one submission).

Conditions:
Dyskeratosis congenita, autosomal dominant 2. Identifiers: MedGen C3151443, MONDO:0013521, OMIM 613989.
Idiopathic Pulmonary Fibrosis. Also called: Idiopathic fibrosing alveolitis, chronic form; idiopathic fibrosing alveolitis. Identifiers: Orphanet 2032, MedGen C1800706, MeSH D054990, MONDO:0800504.

Submission:

Labcorp Genetics (formerly Invitae), Labcorp
Classification: Uncertain significance for Dyskeratosis congenita, autosomal dominant 2; Idiopathic Pulmonary Fibrosis. Last evaluated: 2020-12-13. Review status: criteria provided, single submitter. Criteria: Invitae Variant Classification Sherloc (09022015). Collection method: clinical testing. Allele origin: germline.
Comment: In summary, the available evidence is currently insufficient to determine the role of this variant in disease. Therefore, it has been classified as a Variant of Uncertain Significance. Algorithms developed to predict the effect of missense changes on protein structure and function are either unavailable or do not agree on the potential impact of this missense change (SIFT: "Deleterious"; PolyPhen-2: "Possibly Damaging"; Align-GVGD: "Class C0"). This variant has not been reported in the literature in individuals with TERT-related conditions. This variant is not present in population databases (ExAC no frequency). This sequence change replaces lysine with glutamic acid at codon 823 of the TERT protein (p.Lys823Glu). The lysine residue is weakly conserved and there is a small physicochemical difference between lysine and glutamic acid.

NM_198253.3(TERT):c.2467A>G (p.Lys823Glu)

Gene: TERT (telomerase reverse transcriptase; minus strand). Cytogenetic location: 5p15.33.
Variant type: single nucleotide variant.
Coding change: c.2467A>G on transcript NM_198253.3 (MANE Select); coding-DNA position 2467, A replaced by G.
Protein change: p.Lys823Glu; replaces lysine 823 with glutamic acid.
Molecular consequence: missense variant.
Genome position (GRCh38, 1-based): chr5:1,271,120, T>C on the plus strand (A>G on the coding strand, the complement: TERT is on the minus strand). VCF-style: chr5-1271120-T-C. GRCh37 (hg19) VCF-style: chr5-1271235-T-C.
Other names: c.2467A>G, p.Lys823Glu (NM_001193376.3); short protein forms K823E.
Identifiers: ClinVar variation 1467644 (VCV001467644.8), dbSNP rs2126614257, ClinGen allele CA359075656.